The following is an entry in ClinVar:

NM_002618.4(PEX13):c.278A>G (p.Tyr93Cys)

Gene: PEX13 (peroxisomal biogenesis factor 13; plus strand). Cytogenetic location: 2p15.
Variant type: single nucleotide variant.
Coding change: c.278A>G on transcript NM_002618.4 (MANE Select); coding-DNA position 278, A replaced by G.
Protein change: p.Tyr93Cys; replaces tyrosine 93 with cysteine.
Molecular consequence: missense variant.
Genome position (GRCh38, 1-based): chr2:61,031,604, A>G. VCF-style: chr2-61031604-A-G. GRCh37 (hg19) VCF-style: chr2-61258739-A-G.
Other names: short protein forms Y93C.
Identifiers: ClinVar variation 938182 (VCV000938182.6), dbSNP rs200211896, ClinGen allele CA1673268.
Genomic context (GRCh38, chr2:61,031,604, plus strand): 5'-CTGCTTACAGTTCATTTTCTTCTGGATATGGTGCCTATGGAAATTCATTTTATGGAGGCT[A>G]TAGTCCTTATAGTTATGGATATAATGGGCTGGGCTACAACCGCCTCCGTGTAGATGATCT-3'
Protein context (NP_002609.1, residues 83-103): GAYGNSFYGG[Tyr93Cys]SPYSYGYNGL

ClinVar aggregate classification (germline): Uncertain significance. Review status: criteria provided, multiple submitters, no conflicts (2 of 4 stars). 3 submissions from 3 submitters: Uncertain significance (3). Last evaluated 2022-07-20.

Conditions:
Peroxisome biogenesis disorder 11A (Zellweger). Also called: Peroxisome biogenesis disorder 11A. Identifiers: Orphanet 912, MedGen C3554000, MONDO:0013949, OMIM 614883.
Inborn genetic diseases. Identifiers: MedGen C0950123, MeSH D030342.
Peroxisome biogenesis disorder 11B (PBD11B). Identifiers: Orphanet 44, MedGen C3554001, MONDO:0013950, OMIM 614885.

Allele frequency attached by ClinVar (database versions not stated): ExAC 0.00002; gnomAD exomes 0.00003 and 0.00004; gnomAD 0.00009; TOPMed 0.00013.
gnomAD v4.1: 57 of 1,614,054 alleles (0.0035%); highest among the groups gnomAD compares: Admixed American, 0.035%; 1 homozygote.

Submissions (3):

Labcorp Genetics (formerly Invitae), Labcorp
Classification: Uncertain significance for Peroxisome biogenesis disorder 11A (Zellweger). Last evaluated: 2022-07-20. Review status: criteria provided, single submitter. Criteria: Invitae Variant Classification Sherloc (09022015). Collection method: clinical testing. Allele origin: germline.
Comment: This sequence change replaces tyrosine, which is neutral and polar, with cysteine, which is neutral and slightly polar, at codon 93 of the PEX13 protein (p.Tyr93Cys). This variant is present in population databases (rs200211896, gnomAD 0.02%). This variant has not been reported in the literature in individuals affected with PEX13-related conditions. ClinVar contains an entry for this variant (Variation ID: 938182). Algorithms developed to predict the effect of missense changes on protein structure and function are either unavailable or do not agree on the potential impact of this missense change (SIFT: "Tolerated"; PolyPhen-2: "Probably Damaging"; Align-GVGD: "Class C0"). In summary, the available evidence is currently insufficient to determine the role of this variant in disease. Therefore, it has been classified as a Variant of Uncertain Significance.

Fulgent Genetics
Classification: Uncertain significance for Peroxisome biogenesis disorder 11A (Zellweger); Peroxisome biogenesis disorder 11B. Last evaluated: 2022-02-25. Review status: criteria provided, single submitter. Criteria: ACMG Guidelines, 2015. Collection method: clinical testing. Allele origin: unknown.

Ambry Genetics
Classification: Uncertain significance for Inborn genetic diseases. Last evaluated: 2021-07-26. Review status: criteria provided, single submitter. Criteria: Ambry Variant Classification Scheme 2023. Collection method: clinical testing. Allele origin: germline.